The following is an entry in ClinVar:

ClinVar aggregate classification (germline): Uncertain significance (1 of 4 stars; one submission).

Submission:

GeneDx
Classification: Uncertain significance. Last evaluated: 2021-06-09. Review status: criteria provided, single submitter. Criteria: GeneDx Variant Classification Process June 2021. Collection method: clinical testing. Allele origin: germline. Affected: yes.
Comment: Not observed at significant frequency in large population cohorts (Lek et al., 2016); In silico analysis supports that this missense variant has a deleterious effect on protein structure/function; Has not been previously published as a pathogenic or benign germline variant to our knowledge; This variant is associated with the following publications: (PMID: 27535533, 28900777, 26798439, 9809980)

NM_000455.5(STK11):c.941C>A (p.Pro314His)

Gene: STK11 (serine/threonine kinase 11; plus strand). Cytogenetic location: 19p13.3.
Variant type: single nucleotide variant.
Coding change: c.941C>A on transcript NM_000455.5 (MANE Select); coding-DNA position 941, C replaced by A.
Protein change: p.Pro314His; replaces proline 314 with histidine.
Molecular consequence: missense variant.
Genome position (GRCh38, 1-based): chr19:1,223,005, C>A. VCF-style: chr19-1223005-C-A. GRCh37 (hg19) VCF-style: chr19-1223004-C-A.
Other names: short protein forms P314H.
Identifiers: ClinVar variation 1327848 (VCV001327848.2), dbSNP rs1064795752, ClinGen allele CA402951489.